The following is an entry in ClinVar:

ClinVar aggregate classification (germline): Uncertain significance (1 of 4 stars; one submission).

Conditions:
TP63-Related Spectrum Disorders.

Allele frequency attached by ClinVar (database versions not stated): gnomAD exomes below 0.00001.
gnomAD v4.1: 4 of 1,613,892 alleles (0.00025%); highest among the groups gnomAD compares: Admixed American, 0.0033%; no homozygotes.

Submission:

Labcorp Genetics (formerly Invitae), Labcorp
Classification: Uncertain significance. Last evaluated: 2022-09-23. Review status: criteria provided, single submitter. Criteria: Invitae Variant Classification Sherloc (09022015). Collection method: clinical testing. Allele origin: germline.
Comment: In summary, the available evidence is currently insufficient to determine the role of this variant in disease. Therefore, it has been classified as a Variant of Uncertain Significance. Algorithms developed to predict the effect of missense changes on protein structure and function (SIFT, PolyPhen-2, Align-GVGD) all suggest that this variant is likely to be tolerated. This variant has not been reported in the literature in individuals affected with TP63-related conditions. This variant is not present in population databases (gnomAD no frequency). This sequence change replaces glutamic acid, which is acidic and polar, with aspartic acid, which is acidic and polar, at codon 53 of the TP63 protein (p.Glu53Asp).

NM_003722.5(TP63):c.159G>C (p.Glu53Asp)

Gene: TP63 (tumor protein p63; plus strand). Cytogenetic location: 3q28.
Variant type: single nucleotide variant.
Coding change: c.159G>C on transcript NM_003722.5 (MANE Select); coding-DNA position 159, G replaced by C.
Protein change: p.Glu53Asp; replaces glutamic acid 53 with aspartic acid.
Molecular consequence: missense variant.
Genome position (GRCh38, 1-based): chr3:189,737,836, G>C. VCF-style: chr3-189737836-G-C. GRCh37 (hg19) VCF-style: chr3-189455625-G-C.
Other names: c.159G>C, p.Glu53Asp (NM_001114978.2, NM_001114979.2, NM_001329144.2 and 1 more transcripts); c.153G>C, p.Glu51Asp (NM_001329964.2); short protein forms E53D, E51D.
Identifiers: ClinVar variation 2038409 (VCV002038409.3), dbSNP rs924896139, ClinGen allele CA90183417.